The following is an entry in ClinVar:

NM_005263.5(GFI1):c.1239G>C (p.Arg413Ser)

Gene: GFI1 (growth factor independent 1 transcriptional repressor; minus strand). Cytogenetic location: 1p22.1.
Variant type: single nucleotide variant.
Coding change: c.1239G>C on transcript NM_005263.5 (MANE Select); coding-DNA position 1239, G replaced by C.
Protein change: p.Arg413Ser; replaces arginine 413 with serine.
Molecular consequence: missense variant.
Genome position (GRCh38, 1-based): chr1:92,476,059, C>G on the plus strand (G>C on the coding strand, the complement: GFI1 is on the minus strand). VCF-style: chr1-92476059-C-G. GRCh37 (hg19) VCF-style: chr1-92941616-C-G.
Other names: c.1239G>C, p.Arg413Ser (NM_001127215.3, NM_001127216.3); short protein forms R413S.
Identifiers: ClinVar variation 5022389 (VCV005022389.1).

ClinVar aggregate classification (germline): Uncertain significance (1 of 4 stars; one submission).

Submission:

Ambry Genetics
Classification: Uncertain significance. Last evaluated: 2026-08-05. Review status: criteria provided, single submitter. Criteria: Ambry Variant Classification Scheme 2023. Collection method: clinical testing. Allele origin: germline.
Comment: The p.R413S variant (also known as c.1239G>C), located in coding exon 6 of the GFI1 gene, results from a G to C substitution at nucleotide position 1239. The arginine at codon 413 is replaced by serine, an amino acid with dissimilar properties. This amino acid position is conserved. In addition, the in silico prediction for this alteration is inconclusive. Based on the available evidence, the clinical significance of this variant remains unclear.